The following is an entry in ClinVar:

ClinVar aggregate classification (germline): Uncertain significance (1 of 4 stars; one submission).

Submission:

GeneDx
Classification: Uncertain significance. Last evaluated: 2026-10-01. Review status: criteria provided, single submitter. Criteria: GeneDx Variant Classification Process June 2021. Collection method: clinical testing. Allele origin: germline.
Comment: Not observed at significant frequency in large population cohorts (gnomAD); In silico analysis supports that this missense variant has a deleterious effect on protein structure/function; Has not been previously published as pathogenic or benign to our knowledge; This variant is associated with the following publications: (PMID: 25609763, 26100331, 25512093)

NM_001376.5(DYNC1H1):c.8818G>A (p.Gly2940Arg)

Gene: DYNC1H1 (dynein cytoplasmic 1 heavy chain 1; plus strand). Cytogenetic location: 14q32.31.
Variant type: single nucleotide variant.
Coding change: c.8818G>A on transcript NM_001376.5 (MANE Select); coding-DNA position 8818, G replaced by A.
Protein change: p.Gly2940Arg; replaces glycine 2940 with arginine.
Molecular consequence: missense variant.
Genome position (GRCh38, 1-based): chr14:102,027,220, G>A. VCF-style: chr14-102027220-G-A. GRCh37 (hg19) VCF-style: chr14-102493557-G-A.
Other names: short protein forms G2940R.
Identifiers: ClinVar variation 4077348 (VCV004077348.2).